The following is an entry in ClinVar:

ClinVar aggregate classification (germline): Conflicting classifications of pathogenicity. Review status: criteria provided, conflicting classifications (1 of 4 stars). 6 submissions from 6 submitters: Uncertain significance (1); Likely benign (4). 1 of the submissions does not count toward it. Last evaluated 2026-01-12.

Conditions:
Inborn genetic diseases. Identifiers: MedGen C0950123, MeSH D030342.
DARS1-related disorder. Also called: DARS1-related condition.
Hypomyelination with brain stem and spinal cord involvement and leg spasticity. Also called: ASPARTYL-tRNA SYNTHETASE DEFICIENCY; Hypomyelination with brainstem and spinal cord involvement and leg spasticity. Identifiers: Orphanet 363412, MedGen C4755254, MONDO:0014115, OMIM 615281.

Allele frequency attached by ClinVar (database versions not stated): 1000 Genomes Project 30x 0.00094; 1000 Genomes Project 0.00100; ESP Exome Variant Server 0.00161; TOPMed 0.00164.
gnomAD v4.1: 3,537 of 1,613,328 alleles (0.22%); highest among the groups gnomAD compares: Non-Finnish European, 0.24%; 10 homozygotes.

Submissions (6):

Labcorp Genetics (formerly Invitae), Labcorp
Classification: Likely benign. Last evaluated: 2026-01-12. Review status: criteria provided, single submitter. Criteria: Invitae Variant Classification Sherloc (09022015). Collection method: clinical testing. Allele origin: germline.

Blueprint Genetics
Classification: Likely benign. Last evaluated: 2024-11-25. Review status: criteria provided, single submitter. Criteria: ACMG Guidelines, 2015. Collection method: clinical testing. Allele origin: germline.

CeGaT Center for Human Genetics Tuebingen
Classification: Likely benign. Last evaluated: 2024-09-01. Review status: criteria provided, single submitter. Criteria: CeGaT Center For Human Genetics Tuebingen Variant Classification Criteria Version 2. Collection method: clinical testing. Allele origin: germline. Affected: yes. Observed: 4 variant alleles.
Comment: DARS1: BS2

Ambry Genetics
Classification: Likely benign for Inborn genetic diseases. Last evaluated: 2022-05-26. Review status: criteria provided, single submitter. Criteria: Ambry Variant Classification Scheme 2023. Collection method: clinical testing. Allele origin: germline.

Baylor Genetics
Classification: Uncertain significance for Hypomyelination with brain stem and spinal cord involvement and leg spasticity. Last evaluated: 2018-02-13. Review status: criteria provided, single submitter. Criteria: ACMG Guidelines, 2015. Collection method: clinical testing. Allele origin: paternal. Affected: yes.
Comment: This variant was determined to be of uncertain significance according to ACMG Guidelines, 2015 [PMID:25741868].

PreventionGenetics, part of Exact Sciences
Classification: Likely benign for DARS1-related condition. Last evaluated: 2024-03-11. Review status: no assertion criteria provided. Collection method: clinical testing. Allele origin: germline. Not counted in ClinVar's aggregate classification.
Comment: This variant is classified as likely benign based on ACMG/AMP sequence variant interpretation guidelines (Richards et al. 2015 PMID: 25741868, with internal and published modifications).

NM_001349.4(DARS1):c.484C>T (p.Pro162Ser)

Gene: DARS1 (aspartyl-tRNA synthetase 1; minus strand). Cytogenetic location: 2q21.3.
Variant type: single nucleotide variant.
Coding change: c.484C>T on transcript NM_001349.4 (MANE Select); coding-DNA position 484, C replaced by T.
Protein change: p.Pro162Ser; replaces proline 162 with serine.
Molecular consequence: missense variant.
Genome position (GRCh38, 1-based): chr2:135,933,930, G>A on the plus strand (C>T on the coding strand, the complement: DARS1 is on the minus strand). VCF-style: chr2-135933930-G-A. GRCh37 (hg19) VCF-style: chr2-136691500-G-A.
Other names: c.184C>T, p.Pro62Ser (NM_001293312.1); short protein forms P162S, P62S.
Identifiers: ClinVar variation 735228 (VCV000735228.48), dbSNP rs149170955, ClinGen allele CA1889805.